The following is an entry in ClinVar:

ClinVar aggregate classification (germline): Uncertain significance. Review status: criteria provided, multiple submitters, no conflicts (2 of 4 stars). 2 submissions from 2 submitters: Uncertain significance (2). Last evaluated 2023-08-04.

Allele frequency attached by ClinVar (database versions not stated): gnomAD exomes 0.00001 and 0.00002; ExAC 0.00002; TOPMed 0.00002; ESP Exome Variant Server 0.00008.
gnomAD v4.1: 37 of 1,613,682 alleles (0.0023%); highest among the groups gnomAD compares: Middle Eastern, 0.016%; no homozygotes.

Submissions (2):

Labcorp Genetics (formerly Invitae), Labcorp
Classification: Uncertain significance. Last evaluated: 2023-08-04. Review status: criteria provided, single submitter. Criteria: Invitae Variant Classification Sherloc (09022015). Collection method: clinical testing. Allele origin: germline.
Comment: This variant has not been reported in the literature in individuals affected with AGBL5-related conditions. This sequence change replaces arginine, which is basic and polar, with histidine, which is basic and polar, at codon 303 of the AGBL5 protein (p.Arg303His). This variant also falls at the last nucleotide of exon 6, which is part of the consensus splice site for this exon. This variant is present in population databases (rs369068296, gnomAD 0.003%). ClinVar contains an entry for this variant (Variation ID: 1044022). An algorithm developed to predict the effect of missense changes on protein structure and function (PolyPhen-2) suggests that this variant is likely to be disruptive. Variants that disrupt the consensus splice site are a relatively common cause of aberrant splicing (PMID: 17576681, 9536098). In summary, the available evidence is currently insufficient to determine the role of this variant in disease. Therefore, it has been classified as a Variant of Uncertain Significance.

Blueprint Genetics
Classification: Uncertain significance. Last evaluated: 2022-06-22. Review status: criteria provided, single submitter. Criteria: ACMG Guidelines, 2015. Collection method: clinical testing. Allele origin: germline.

Literature cited by the submitters: PubMed 17576681 (cited by Labcorp Genetics (formerly Invitae), Labcorp); PubMed 9536098 (cited by Labcorp Genetics (formerly Invitae), Labcorp).

NM_021831.6(AGBL5):c.908G>A (p.Arg303His)

Gene: AGBL5 (AGBL carboxypeptidase 5; plus strand). Cytogenetic location: 2p23.3.
Variant type: single nucleotide variant.
Coding change: c.908G>A on transcript NM_021831.6 (MANE Select); coding-DNA position 908, G replaced by A.
Protein change: p.Arg303His; replaces arginine 303 with histidine.
Molecular consequence: missense variant. On other transcripts: non-coding transcript variant (2).
Genome position (GRCh38, 1-based): chr2:27,055,253, G>A. VCF-style: chr2-27055253-G-A. GRCh37 (hg19) VCF-style: chr2-27278121-G-A.
Other names: c.908G>A, p.Arg303His (NM_001035507.3); short protein forms R303H.
Identifiers: ClinVar variation 1044022 (VCV001044022.9), dbSNP rs369068296, ClinGen allele CA1567753.